The following is an entry in ClinVar:

ClinVar aggregate classification (germline): Uncertain significance. Review status: criteria provided, multiple submitters, no conflicts (2 of 4 stars). 2 submissions from 2 submitters: Uncertain significance (2). Last evaluated 2026-03-21.

Conditions:
Dyskeratosis congenita, autosomal dominant 2. Identifiers: MedGen C3151443, MONDO:0013521, OMIM 613989.
Idiopathic Pulmonary Fibrosis. Also called: Idiopathic fibrosing alveolitis, chronic form; idiopathic fibrosing alveolitis. Identifiers: Orphanet 2032, MedGen C1800706, MeSH D054990, MONDO:0800504.
Dyskeratosis congenita. Identifiers: Orphanet 1775, MedGen C0265965, MONDO:0015780.

Submissions (2):

Ambry Genetics
Classification: Uncertain significance for Dyskeratosis congenita. Last evaluated: 2026-03-21. Review status: criteria provided, single submitter. Criteria: Ambry Variant Classification Scheme 2023. Collection method: clinical testing. Allele origin: germline.
Comment: The p.R428G variant (also known as c.1282C>G), located in coding exon 2 of the TERT gene, results from a C to G substitution at nucleotide position 1282. The arginine at codon 428 is replaced by glycine, an amino acid with dissimilar properties. This amino acid position is conserved. In addition, this alteration is predicted to be tolerated by in silico analysis. Based on the available evidence, the clinical significance of this variant remains unclear.

Labcorp Genetics (formerly Invitae), Labcorp
Classification: Uncertain significance for Dyskeratosis congenita, autosomal dominant 2; Idiopathic Pulmonary Fibrosis. Last evaluated: 2023-04-09. Review status: criteria provided, single submitter. Criteria: Invitae Variant Classification Sherloc (09022015). Collection method: clinical testing. Allele origin: germline.
Comment: This sequence change replaces arginine, which is basic and polar, with glycine, which is neutral and non-polar, at codon 428 of the TERT protein (p.Arg428Gly). In summary, the available evidence is currently insufficient to determine the role of this variant in disease. Therefore, it has been classified as a Variant of Uncertain Significance. Advanced modeling of protein sequence and biophysical properties (such as structural, functional, and spatial information, amino acid conservation, physicochemical variation, residue mobility, and thermodynamic stability) performed at Invitae indicates that this missense variant is not expected to disrupt TERT protein function. This variant has not been reported in the literature in individuals affected with TERT-related conditions. This variant is not present in population databases (gnomAD no frequency).

NM_198253.3(TERT):c.1282C>G (p.Arg428Gly)

Gene: TERT (telomerase reverse transcriptase; minus strand). Cytogenetic location: 5p15.33.
Variant type: single nucleotide variant.
Coding change: c.1282C>G on transcript NM_198253.3 (MANE Select); coding-DNA position 1282, C replaced by G.
Protein change: p.Arg428Gly; replaces arginine 428 with glycine.
Molecular consequence: missense variant. On other transcripts: non-coding transcript variant (2).
Genome position (GRCh38, 1-based): chr5:1,293,604, G>C on the plus strand (C>G on the coding strand, the complement: TERT is on the minus strand). VCF-style: chr5-1293604-G-C. GRCh37 (hg19) VCF-style: chr5-1293719-G-C.
Other names: c.1282C>G, p.Arg428Gly (NM_001193376.3, NM_003219.1); short protein forms R428G.
Identifiers: ClinVar variation 2922626 (VCV002922626.4), dbSNP rs1400139919, ClinGen allele CA359086375.